The following is an entry in ClinVar:

ClinVar aggregate classification (germline): Uncertain significance (1 of 4 stars; one submission).

Allele frequency attached by ClinVar (database versions not stated): ExAC 0.00001; gnomAD 0.00001 and 0.00008; gnomAD exomes 0.00001; 1000 Genomes Project 30x 0.00031; 1000 Genomes Project 0.00040.
gnomAD v4.1: 34 of 1,614,138 alleles (0.0021%); highest among the groups gnomAD compares: African/African-American, 0.024%; no homozygotes.

Submission:

Labcorp Genetics (formerly Invitae), Labcorp
Classification: Uncertain significance. Last evaluated: 2025-02-13. Review status: criteria provided, single submitter. Criteria: Invitae Variant Classification Sherloc (09022015). Collection method: clinical testing. Allele origin: germline.
Comment: This sequence change replaces arginine, which is basic and polar, with histidine, which is basic and polar, at codon 23 of the PSMB4 protein (p.Arg23His). This variant is present in population databases (rs115066321, gnomAD 0.007%). This variant has not been reported in the literature in individuals affected with PSMB4-related conditions. ClinVar contains an entry for this variant (Variation ID: 1380676). An algorithm developed to predict the effect of missense changes on protein structure and function outputs the following: PolyPhen-2: "Benign". The histidine amino acid residue is found in multiple mammalian species, which suggests that this missense change does not adversely affect protein function. In summary, the available evidence is currently insufficient to determine the role of this variant in disease. Therefore, it has been classified as a Variant of Uncertain Significance.

NM_002796.3(PSMB4):c.68G>A (p.Arg23His)

Gene: PSMB4 (proteasome 20S subunit beta 4; plus strand). Cytogenetic location: 1q21.3.
Variant type: single nucleotide variant.
Coding change: c.68G>A on transcript NM_002796.3 (MANE Select); coding-DNA position 68, G replaced by A.
Protein change: p.Arg23His; replaces arginine 23 with histidine.
Molecular consequence: missense variant.
Genome position (GRCh38, 1-based): chr1:151,399,655, G>A. VCF-style: chr1-151399655-G-A. GRCh37 (hg19) VCF-style: chr1-151372131-G-A.
Other names: short protein forms R23H.
Identifiers: ClinVar variation 1380676 (VCV001380676.6), dbSNP rs115066321, ClinGen allele CA1090565.